The following is an entry in ClinVar:

ClinVar aggregate classification (germline): Uncertain significance (1 of 4 stars; one submission).

Conditions:
Ataxia-telangiectasia syndrome (AT). Also called: Cerebello-oculocutaneous telangiectasia; Immunodeficiency with ataxia telangiectasia; Ataxia-telangiectasia, complementation group E; LOUIS-BAR SYNDROME; AT, COMPLEMENTATION GROUP C; ATAXIA-TELANGIECTASIA, COMPLEMENTATION GROUP A. Identifiers: Orphanet 100, MedGen C0004135, MONDO:0008840, OMIM 208900.

Submission:

Labcorp Genetics (formerly Invitae), Labcorp
Classification: Uncertain significance for Ataxia-telangiectasia syndrome. Last evaluated: 2026-02-02. Review status: criteria provided, single submitter. Criteria: Invitae Variant Classification Sherloc (09022015). Collection method: clinical testing. Allele origin: germline.
Comment: This variant, c.2883_2884delinsTG, is a complex sequence change that results in the deletion of 2 and insertion of 2 amino acid(s) in the ATM protein (p.Leu961_Pro962delinsPheAla). Information on the frequency of this variant in the gnomAD database is not available, as this variant may be reported differently in the database. This variant has not been reported in the literature in individuals affected with ATM-related conditions. Experimental studies and prediction algorithms are not available or were not evaluated, and the functional significance of this variant is currently unknown. In summary, the available evidence is currently insufficient to determine the role of this variant in disease. Therefore, it has been classified as a Variant of Uncertain Significance.

NM_000051.4(ATM):c.2883_2884delinsTG (p.Leu961_Pro962delinsPheAla)

Gene: ATM (ATM serine/threonine kinase; plus strand). Cytogenetic location: 11q22.3.
Variant type: Indel.
Coding change: c.2883_2884delinsTG on transcript NM_000051.4 (MANE Select); coding-DNA positions 2883 to 2884, GC replaced by TG.
Protein change: p.Leu961_Pro962delinsPheAla.
Molecular consequence: missense variant.
Genome position (GRCh38, 1-based): chr11:108,271,108-108,271,109, GC replaced by TG. VCF-style: chr11-108271108-GC-TG. GRCh37 (hg19) VCF-style: chr11-108141835-GC-TG.
Other names: c.2883_2884delinsTG, p.Leu961_Pro962delinsPheAla (NM_001351834.2).
Identifiers: ClinVar variation 4734793 (VCV004734793.1).
Genomic context (GRCh38, chr11:108,271,108, plus strand): 5'-CCTCCTACCATCTTAGTATCTAATGCTTTTAAAGGAGCTTCCTGGAGAAGAGTACCCCTT[GC>TG]CAATGGAAGATGTTCTTGAACTTCTGAAACCACTATCGTAAGAAATTAAAACCTTATGTT-3'